The following is an entry in ClinVar:

NC_000017.10:g.(?_59878604)_(59878845_?)del

Gene: BRIP1 (BRCA1 interacting DNA helicase 1; minus strand). Cytogenetic location: 17q23.2.
Variant type: Deletion.
Identifiers: ClinVar variation 1065938 (VCV001065938.2).

ClinVar aggregate classification (germline): Likely pathogenic (1 of 4 stars; one submission).

Conditions:
Familial cancer of breast. Also called: Hereditary breast cancer; BREAST CANCER, FAMILIAL; hereditary breast carcinoma. Identifiers: Orphanet 227535, MedGen C0346153, MONDO:0016419, OMIM 114480. Disease mechanism: loss of function.
Fanconi anemia complementation group J. Also called: BRIP1-Related Fanconi Anemia. Identifiers: Orphanet 84, MedGen C1836860, MONDO:0012187, OMIM 609054.

Submission:

Labcorp Genetics (formerly Invitae), Labcorp
Classification: Likely pathogenic for Familial cancer of breast; Fanconi anemia complementation group J. Last evaluated: 2020-10-25. Review status: criteria provided, single submitter. Criteria: Invitae Variant Classification Sherloc (09022015). Collection method: clinical testing. Allele origin: germline.
Comment: This variant is an in-frame deletion of the genomic region encompassing exon 8 of the BRIP1 gene. It preserves the integrity of the reading frame. A deletion of this region has been seen in an ovarian cancer cohort (PMID: 30322717). This gross deletion of exon 8 is expected to result in the loss of amino acids Gly307-Ser380. This removes nearly all of the iron-sulfur (Fe-S) cluster binding domain of BRIP1, including two of the four conserved cysteine residues within that domain (PMID: 16973432, 19099189). Also, this deletion removes the Ala349 amino acid, which has been shown to be altered in an individual with Fanconi anemia (PMID: 16116424), and is predicted to abolish BRIP1 helicase activity (PMID: 16973432). This suggests that disruption of this region of the protein is causative of disease. In summary, the currently available evidence indicates that the variant is pathogenic, but additional data are needed to prove that conclusively. Therefore, this variant has been classified as Likely Pathogenic.

Literature cited by the submitters: PubMed 30322717; PubMed 16973432; PubMed 19099189; PubMed 16116424.